The following is an entry in ClinVar:

NM_024426.6(WT1):c.*864T>G

Gene: WT1 (WT1 transcription factor; minus strand). Cytogenetic location: 11p13.
Variant type: single nucleotide variant.
Coding change: c.*864T>G on transcript NM_024426.6 (MANE Select); 864 bases downstream of the stop codon, T replaced by G.
Molecular consequence: 3 prime UTR variant. On other transcripts: non-coding transcript variant (1).
Genome position (GRCh38, 1-based): chr11:32,388,194, A>C on the plus strand (T>G on the coding strand, the complement: WT1 is on the minus strand). VCF-style: chr11-32388194-A-C. GRCh37 (hg19) VCF-style: chr11-32409740-A-C.
Other names: c.*864T>G (NM_000378.6, NM_001198551.2, NM_001198552.2 and 11 more transcripts).
Identifiers: ClinVar variation 304386 (VCV000304386.6), dbSNP rs5030323, ClinGen allele CA10634640.

ClinVar aggregate classification (germline): Benign/Likely benign. Review status: criteria provided, single submitter (1 of 4 stars). 3 submissions from 1 submitter: Benign (2); Likely benign (1). Last evaluated 2018-01-13.

Conditions:
Meacham syndrome. Also called: Meacham Winn Culler syndrome. Identifiers: Orphanet 3097, MedGen C1837026, MONDO:0012164, OMIM 608978.
Wilms tumor 1 (WT1). Also called: Wilms tumor, somatic. Identifiers: Orphanet 654, MedGen CN033288, MONDO:0008679, OMIM 194070.
Nephrotic syndrome, type 4 (NPHS4). Also called: Familial mesangial sclerosis; Nephrotic syndrome, early onset with diffuse mesangial sclerosis. Identifiers: Orphanet 656, MedGen C3151568, MONDO:0009733, OMIM 256370.

Allele frequency attached by ClinVar (database versions not stated): TOPMed 0.00808; 1000 Genomes Project 0.00899; 1000 Genomes Project 30x 0.00906.
gnomAD v4.1: 1,213 of 233,708 alleles (0.52%); highest among the groups gnomAD compares: African/African-American, 2.5%; 14 homozygotes.

Submissions (3):

Illumina Laboratory Services, Illumina
Classification: Benign for Meacham syndrome. Last evaluated: 2018-01-13. Review status: criteria provided, single submitter. Criteria: ICSL Variant Classification Criteria 13 December 2019. Collection method: clinical testing. Allele origin: germline.
Comment: This variant was observed in the ICSL laboratory as part of a predisposition screen in an ostensibly healthy population. It had not been previously curated by ICSL or reported in the Human Gene Mutation Database (HGMD: prior to June 1st, 2018), and was therefore a candidate for classification through an automated scoring system. Utilizing variant allele frequency, disease prevalence and penetrance estimates, and inheritance mode, an automated score was calculated to assess if this variant is too frequent to cause the disease. Based on the score and internal cut-off values, a variant classified as benign is not then subjected to further curation. The score for this variant resulted in a classification of benign for this disease.

Illumina Laboratory Services, Illumina
Classification: Likely benign for Nephrotic syndrome, type 4. Last evaluated: 2018-01-13. Review status: criteria provided, single submitter. Criteria: ICSL Variant Classification Criteria 13 December 2019. Collection method: clinical testing. Allele origin: germline.
Comment: This variant was observed in the ICSL laboratory as part of a predisposition screen in an ostensibly healthy population. It had not been previously curated by ICSL or reported in the Human Gene Mutation Database (HGMD: prior to June 1st, 2018), and was therefore a candidate for classification through an automated scoring system. Utilizing variant allele frequency, disease prevalence and penetrance estimates, and inheritance mode, an automated score was calculated to assess if this variant is too frequent to cause the disease. Based on the score and internal cut-off values, a variant classified as likely benign is not then subjected to further curation. The score for this variant resulted in a classification of likely benign for this disease.

Illumina Laboratory Services, Illumina
Classification: Benign for Wilms tumor 1. Last evaluated: 2018-01-13. Review status: criteria provided, single submitter. Criteria: ICSL Variant Classification Criteria 13 December 2019. Collection method: clinical testing. Allele origin: germline.
Comment: the same text as in the submission from Illumina Laboratory Services, Illumina above.